The following is an entry in ClinVar:

NM_000057.4(BLM):c.599C>A (p.Thr200Lys)

Gene: BLM (BLM RecQ like helicase; plus strand). Cytogenetic location: 15q26.1.
Variant type: single nucleotide variant.
Coding change: c.599C>A on transcript NM_000057.4 (MANE Select); coding-DNA position 599, C replaced by A.
Protein change: p.Thr200Lys; replaces threonine 200 with lysine.
Molecular consequence: missense variant. On other transcripts: 5 prime UTR variant (1).
Genome position (GRCh38, 1-based): chr15:90,749,867, C>A. VCF-style: chr15-90749867-C-A. GRCh37 (hg19) VCF-style: chr15-91293097-C-A.
Other names: c.599C>A, p.Thr200Lys (NM_001287246.2, NM_001287247.2); c.-693C>A (NM_001287248.2); short protein forms T200K.
Identifiers: ClinVar variation 1750933 (VCV001750933.4), dbSNP rs2151147692, ClinGen allele CA393841143.
Genomic context (GRCh38, chr15:90,749,867, plus strand): 5'-TAAGCACTGCTCAGAAATCAAAAAAGGGTAAGAGAAACTTTTTTAAAGCACAGCTTTATA[C>A]AACAAACACAGTAAAGACTGATTTGCCTCCACCCTCCTCTGAAAGCGAGCAAATAGATTT-3'
Protein context (NP_000048.1, residues 190-210): KRNFFKAQLY[Thr200Lys]TNTVKTDLPP

ClinVar aggregate classification (germline): Conflicting classifications of pathogenicity. Review status: criteria provided, conflicting classifications (1 of 4 stars). 2 submissions from 2 submitters: Uncertain significance (1); Likely benign (1). Last evaluated 2024-09-21.

Conditions:
Hereditary cancer-predisposing syndrome. Also called: Hereditary Cancer Syndrome; Hereditary neoplastic syndrome; Neoplastic Syndromes, Hereditary; Tumor predisposition. Identifiers: Orphanet 140162, MedGen C0027672, MeSH D009386, MONDO:0015356.
Bloom syndrome (BLM). Also called: Bloom-Torre-Machacek syndrome. Identifiers: Orphanet 125, MedGen C0005859, MONDO:0008876, OMIM 210900.

Submissions (2):

Labcorp Genetics (formerly Invitae), Labcorp
Classification: Uncertain significance for Bloom syndrome. Last evaluated: 2024-09-21. Review status: criteria provided, single submitter. Criteria: Invitae Variant Classification Sherloc (09022015). Collection method: clinical testing. Allele origin: germline.
Comment: This sequence change replaces threonine, which is neutral and polar, with lysine, which is basic and polar, at codon 200 of the BLM protein (p.Thr200Lys). This variant is not present in population databases (gnomAD no frequency). This variant has not been reported in the literature in individuals affected with BLM-related conditions. ClinVar contains an entry for this variant (Variation ID: 1750933). An algorithm developed to predict the effect of missense changes on protein structure and function outputs the following: PolyPhen-2: "Benign". The lysine amino acid residue is found in multiple mammalian species, which suggests that this missense change does not adversely affect protein function. In summary, the available evidence is currently insufficient to determine the role of this variant in disease. Therefore, it has been classified as a Variant of Uncertain Significance.

Ambry Genetics
Classification: Likely benign for Hereditary cancer-predisposing syndrome. Last evaluated: 2022-10-11. Review status: criteria provided, single submitter. Criteria: Ambry Variant Classification Scheme 2023. Collection method: clinical testing. Allele origin: germline.